The following is an entry in ClinVar:

ClinVar aggregate classification (germline): Uncertain significance (1 of 4 stars; one submission).

Allele frequency attached by ClinVar (database versions not stated): gnomAD exomes below 0.00001.
gnomAD v4.1: 1 of 1,613,298 alleles (0.000062%); highest among the groups gnomAD compares: Non-Finnish European, 0.000085%; no homozygotes.

Submission:

Labcorp Genetics (formerly Invitae), Labcorp
Classification: Uncertain significance. Last evaluated: 2022-12-06. Review status: criteria provided, single submitter. Criteria: Invitae Variant Classification Sherloc (09022015). Collection method: clinical testing. Allele origin: germline.
Comment: In summary, the available evidence is currently insufficient to determine the role of this variant in disease. Therefore, it has been classified as a Variant of Uncertain Significance. Algorithms developed to predict the effect of missense changes on protein structure and function (SIFT, PolyPhen-2, Align-GVGD) all suggest that this variant is likely to be disruptive. This variant has not been reported in the literature in individuals affected with CUL7-related conditions. This variant is not present in population databases (gnomAD no frequency). This sequence change replaces leucine, which is neutral and non-polar, with proline, which is neutral and non-polar, at codon 1046 of the CUL7 protein (p.Leu1046Pro).

NM_014780.5(CUL7):c.3137T>C (p.Leu1046Pro)

Gene: CUL7 (cullin 7; minus strand). Cytogenetic location: 6p21.1.
Variant type: single nucleotide variant.
Coding change: c.3137T>C on transcript NM_014780.5 (MANE Select); coding-DNA position 3137, T replaced by C.
Protein change: p.Leu1046Pro; replaces leucine 1046 with proline.
Molecular consequence: missense variant.
Genome position (GRCh38, 1-based): chr6:43,044,787, A>G on the plus strand (T>C on the coding strand, the complement: CUL7 is on the minus strand). VCF-style: chr6-43044787-A-G. GRCh37 (hg19) VCF-style: chr6-43012525-A-G.
Other names: c.3233T>C, p.Leu1078Pro (NM_001168370.2, NM_001374872.1); c.3137T>C, p.Leu1046Pro (NM_001374873.1, NM_001374874.1); short protein forms L1078P, L1046P.
Identifiers: ClinVar variation 2042492 (VCV002042492.4), dbSNP rs1763747612, ClinGen allele CA364207161.